The following is an entry in ClinVar:

ClinVar aggregate classification (germline): Uncertain significance (1 of 4 stars; one submission).

Conditions:
Cardiovascular phenotype. Identifiers: MedGen CN230736.

Submission:

Ambry Genetics
Classification: Uncertain significance for Cardiovascular phenotype. Last evaluated: 2025-01-16. Review status: criteria provided, single submitter. Criteria: Ambry Variant Classification Scheme 2023. Collection method: clinical testing. Allele origin: germline.
Comment: The p.H257D variant (also known as c.769C>G), located in coding exon 6 of the MYBPC3 gene, results from a C to G substitution at nucleotide position 769. The histidine at codon 257 is replaced by aspartic acid, an amino acid with similar properties. This amino acid position is conserved. In addition, the in silico prediction for this alteration is inconclusive. Based on the available evidence, the clinical significance of this variant remains unclear.

NM_000256.3(MYBPC3):c.769C>G (p.His257Asp)

Gene: MYBPC3 (myosin binding protein C3; minus strand). Cytogenetic location: 11p11.2.
Variant type: single nucleotide variant.
Coding change: c.769C>G on transcript NM_000256.3 (MANE Select); coding-DNA position 769, C replaced by G.
Protein change: p.His257Asp; replaces histidine 257 with aspartic acid.
Molecular consequence: missense variant.
Genome position (GRCh38, 1-based): chr11:47,348,427, G>C on the plus strand (C>G on the coding strand, the complement: MYBPC3 is on the minus strand). VCF-style: chr11-47348427-G-C. GRCh37 (hg19) VCF-style: chr11-47369978-G-C.
Other names: short protein forms H257D.
Identifiers: ClinVar variation 3876137 (VCV003876137.1).